The following is an entry in ClinVar:

NM_032888.4(COL27A1):c.1505G>A (p.Arg502Gln)

Gene: COL27A1 (collagen type XXVII alpha 1 chain; plus strand). Cytogenetic location: 9q32.
Variant type: single nucleotide variant.
Coding change: c.1505G>A on transcript NM_032888.4 (MANE Select); coding-DNA position 1505, G replaced by A.
Protein change: p.Arg502Gln; replaces arginine 502 with glutamine.
Molecular consequence: missense variant.
Genome position (GRCh38, 1-based): chr9:114,169,060, G>A. VCF-style: chr9-114169060-G-A. GRCh37 (hg19) VCF-style: chr9-116931340-G-A.
Other names: short protein forms R502Q.
Identifiers: ClinVar variation 2054366 (VCV002054366.1), dbSNP rs151285311, ClinGen allele CA5201400.

ClinVar aggregate classification (germline): Uncertain significance (1 of 4 stars; one submission).

gnomAD v4.1: 23 of 1,613,678 alleles (0.0014%); highest among the groups gnomAD compares: East Asian, 0.0067%; no homozygotes.

Submission:

Labcorp Genetics (formerly Invitae), Labcorp
Classification: Uncertain significance. Last evaluated: 2022-11-01. Review status: criteria provided, single submitter. Criteria: Invitae Variant Classification Sherloc (09022015). Collection method: clinical testing. Allele origin: germline.
Comment: This sequence change replaces arginine, which is basic and polar, with glutamine, which is neutral and polar, at codon 502 of the COL27A1 protein (p.Arg502Gln). This variant is present in population databases (rs151285311, gnomAD 0.006%). This variant has not been reported in the literature in individuals affected with COL27A1-related conditions. Advanced modeling of protein sequence and biophysical properties (such as structural, functional, and spatial information, amino acid conservation, physicochemical variation, residue mobility, and thermodynamic stability) performed at Invitae indicates that this missense variant is not expected to disrupt COL27A1 protein function. In summary, the available evidence is currently insufficient to determine the role of this variant in disease. Therefore, it has been classified as a Variant of Uncertain Significance.